The following is an entry in ClinVar:

NM_001142864.4(PIEZO1):c.2399C>A (p.Ser800Ter)

Genes: HSALR1 (HSP90AB1 associated lncRNA 1; plus strand), PIEZO1 (piezo type mechanosensitive ion channel component 1 (Er blood group); minus strand). Cytogenetic location: 16q24.3.
Variant type: single nucleotide variant.
Coding change: c.2399C>A on transcript NM_001142864.4 (MANE Select); coding-DNA position 2399, C replaced by A.
Protein change: p.Ser800Ter; replaces serine 800 with a stop codon.
Molecular consequence: nonsense.
Genome position (GRCh38, 1-based): chr16:88,733,676, G>T on the plus strand (C>A on the coding strand, the complement: PIEZO1 is on the minus strand). VCF-style: chr16-88733676-G-T. GRCh37 (hg19) VCF-style: chr16-88800084-G-T.
Other names: short protein forms S800*.
Identifiers: ClinVar variation 4991837 (VCV004991837.1).
Genomic context (GRCh38, chr16:88,733,676, plus strand): 5'-AGGGCCACCAGCTTGAAAACGTGAAGCTCCAGCAGCCGCCGCAGGAACACCTGCACGCGT[G>T]AGAGGACGTCCGAGAAGCCGGCTGCCAGCTCCAGCAGCCGCTCAGCCACCAGGCCCCACT-3'

ClinVar aggregate classification (germline): Likely pathogenic (1 of 4 stars; one submission).

Conditions:
PIEZO1-related disorder. Also called: PIEZO1-related condition; PIEZO1-Related Disorders.

Submission:

PreventionGenetics, part of Exact Sciences
Classification: Likely pathogenic for PIEZO1-related condition. Last evaluated: 2026-03-19. Review status: criteria provided, single submitter. Criteria: ACMG Guidelines, 2015. Collection method: clinical testing. Allele origin: germline.
Comment: The PIEZO1 c.2399C>A variant is predicted to result in premature protein termination (p.Ser800*). To our knowledge, this variant has not been reported in the literature or in a large population database (gnomAD), indicating this variant is rare. Nonsense variants in PIEZO1 are expected to be pathogenic. This variant is interpreted as likely pathogenic for autosomal recessive PIEZO1-associated disorders.